The following is an entry in ClinVar:

ClinVar aggregate classification (germline): Uncertain significance (1 of 4 stars; one submission).

Submission:

Labcorp Genetics (formerly Invitae), Labcorp
Classification: Uncertain significance. Last evaluated: 2021-12-25. Review status: criteria provided, single submitter. Criteria: Invitae Variant Classification Sherloc (09022015). Collection method: clinical testing. Allele origin: germline.
Comment: This sequence change replaces arginine, which is basic and polar, with tryptophan, which is neutral and slightly polar, at codon 227 of the DOCK6 protein (p.Arg227Trp). This variant is present in population databases (rs35928969, gnomAD 0.006%). This variant has not been reported in the literature in individuals affected with DOCK6-related conditions. Algorithms developed to predict the effect of missense changes on protein structure and function are either unavailable or do not agree on the potential impact of this missense change (SIFT: "Deleterious"; PolyPhen-2: "Probably Damaging"; Align-GVGD: "Class C0"). In summary, the available evidence is currently insufficient to determine the role of this variant in disease. Therefore, it has been classified as a Variant of Uncertain Significance.

NM_020812.4(DOCK6):c.679C>T (p.Arg227Trp)

Gene: DOCK6 (dedicator of cytokinesis 6; minus strand). Cytogenetic location: 19p13.2.
Variant type: single nucleotide variant.
Coding change: c.679C>T on transcript NM_020812.4 (MANE Select); coding-DNA position 679, C replaced by T.
Protein change: p.Arg227Trp; replaces arginine 227 with tryptophan.
Molecular consequence: missense variant.
Genome position (GRCh38, 1-based): chr19:11,250,915, G>A on the plus strand (C>T on the coding strand, the complement: DOCK6 is on the minus strand). VCF-style: chr19-11250915-G-A. GRCh37 (hg19) VCF-style: chr19-11361591-G-A.
Other names: c.679C>T, p.Arg227Trp (NM_001367830.1); short protein forms R227W.
Identifiers: ClinVar variation 1980585 (VCV001980585.1), dbSNP rs35928969, ClinGen allele CA9208410.
Genomic context (GRCh38, chr19:11,250,915, plus strand): 5'-TCTGGGAAGGGGCACCCACCTCGTCAGGTGCCGGGTAGAGGGTGAGCAGGGCCGGGGGCC[G>A]GTGCTGCCGTCGAAGGGTTTCATTGCGCCGGTCCACATCTTCTGGGGCCGCCCGCTCTAG-3'
Protein context (NP_065863.2, residues 217-237): RRNETLRRQH[Arg227Trp]PPALLTLYPA